The following is an entry in ClinVar:

NM_001377137.1(GBF1):c.1949G>A (p.Gly650Glu)

Gene: GBF1 (golgi brefeldin A resistant guanine nucleotide exchange factor 1; plus strand). Cytogenetic location: 10q24.32.
Variant type: single nucleotide variant.
Coding change: c.1949G>A on transcript NM_001377137.1 (MANE Select); coding-DNA position 1949, G replaced by A.
Protein change: p.Gly650Glu; replaces glycine 650 with glutamic acid.
Molecular consequence: missense variant. On other transcripts: non-coding transcript variant (4), intron variant (1).
Genome position (GRCh38, 1-based): chr10:102,363,328, G>A. VCF-style: chr10-102363328-G-A. GRCh37 (hg19) VCF-style: chr10-104123085-G-A.
Other names: c.1946G>A, p.Gly649Glu (NM_004193.3, NM_001199379.2, NM_001377141.1 and 4 more transcripts); c.1874-382G>A (NM_001391928.1); c.1949G>A, p.Gly650Glu (NM_001199378.2, NM_001391923.1); c.1910G>A, p.Gly637Glu (NM_001377138.1, NM_001391925.1); c.1652G>A, p.Gly551Glu (NM_001377139.1, NM_001377140.1); c.2045G>A, p.Gly682Glu (NM_001391922.1, NM_001411027.1); c.1913G>A, p.Gly638Glu (NM_001391926.1); c.1568G>A, p.Gly523Glu (NM_001391931.1); and 1 more; short protein forms G523E, G551E, G637E, G638E, G649E, G650E, G674E, G682E.
Identifiers: ClinVar variation 4821132 (VCV004821132.4).
Genomic context (GRCh38, chr10:102,363,328, plus strand): 5'-CCAGCGATGGGAAAGCTGTAGGCATGGCCTCAGACATCCCAGGCCTGCATCTGCCAGGTG[G>A]AGGGCGGCTGCCACCAGAACATGGGAAATCAGGATGCAGTGATCTGGAGGAAGCTGTTGA-3'
Protein context (NP_001364066.1, residues 640-660): SDIPGLHLPG[Gly650Glu]GRLPPEHGKS

ClinVar aggregate classification (germline): Uncertain significance (1 of 4 stars; one submission).

gnomAD v4.1: 25 of 1,614,048 alleles (0.0015%); highest among the groups gnomAD compares: Non-Finnish European, 0.002%; no homozygotes.

Submission:

CeGaT Center for Human Genetics Tuebingen
Classification: Uncertain significance. Last evaluated: 2026-03-01. Review status: criteria provided, single submitter. Criteria: CeGaT Center For Human Genetics Tuebingen Variant Classification Criteria Version 2. Collection method: clinical testing. Allele origin: germline. Affected: yes. Observed: 1 variant allele.
Comment: GBF1: PM2, BP4